The following is an entry in ClinVar:

NM_000466.3(PEX1):c.1620C>T (p.Asn540=)

Gene: PEX1 (peroxisomal biogenesis factor 1; minus strand). Cytogenetic location: 7q21.2.
Variant type: single nucleotide variant.
Coding change: c.1620C>T on transcript NM_000466.3 (MANE Select); coding-DNA position 1620, C replaced by T.
Protein change: p.Asn540=; no amino-acid change (asparagine 540 retained).
Molecular consequence: synonymous variant.
Genome position (GRCh38, 1-based): chr7:92,509,379, G>A on the plus strand (C>T on the coding strand, the complement: PEX1 is on the minus strand). VCF-style: chr7-92509379-G-A. GRCh37 (hg19) VCF-style: chr7-92138693-G-A.
Other names: c.1620C>T, p.Asn540= (NM_001282677.2); c.996C>T, p.Asn332= (NM_001282678.2).
Identifiers: ClinVar variation 2127821 (VCV002127821.4), dbSNP rs917874479, ClinGen allele CA456483664.

ClinVar aggregate classification (germline): Uncertain significance (1 of 4 stars; one submission).

Conditions:
Zellweger spectrum disorders (ZS). Also called: Zellweger Spectrum Disorder (ZSD); Zellweger syndrome; Zellweger Spectrum Disorder; Zellweger Spectrum. Identifiers: Orphanet 912, MedGen C0043459, MONDO:0019609.

Submission:

Labcorp Genetics (formerly Invitae), Labcorp
Classification: Uncertain significance for Zellweger spectrum disorders. Last evaluated: 2022-04-18. Review status: criteria provided, single submitter. Criteria: Invitae Variant Classification Sherloc (09022015). Collection method: clinical testing. Allele origin: germline.
Comment: Algorithms developed to predict the effect of sequence changes on RNA splicing suggest that this variant may disrupt the consensus splice site. In summary, the available evidence is currently insufficient to determine the role of this variant in disease. Therefore, it has been classified as a Variant of Uncertain Significance. This variant has not been reported in the literature in individuals affected with PEX1-related conditions. This sequence change affects codon 540 of the PEX1 mRNA. It is a 'silent' change, meaning that it does not change the encoded amino acid sequence of the PEX1 protein. This variant is not present in population databases (gnomAD no frequency).